The following is an entry in ClinVar:

ClinVar aggregate classification (germline): Uncertain significance (1 of 4 stars; one submission).

Conditions:
Charcot-Marie-Tooth disease recessive intermediate C. Also called: CHARCOT-MARIE-TOOTH NEUROPATHY, RECESSIVE INTERMEDIATE C. Identifiers: Orphanet 369867, MedGen C3809309, MONDO:0014154, OMIM 615376.
Neuronopathy, distal hereditary motor, autosomal recessive 4. Also called: NEUROPATHY, DISTAL HEREDITARY MOTOR, AUTOSOMAL RECESSIVE 4; Autosomal recessive lower motor neuron disease with childhood onset. Identifiers: Orphanet 206580, MedGen C1970211, MONDO:0012608, OMIM 611067.

Submission:

Labcorp Genetics (formerly Invitae), Labcorp
Classification: Uncertain significance for Neuronopathy, distal hereditary motor, autosomal recessive 4; Charcot-Marie-Tooth disease recessive intermediate C. Last evaluated: 2021-10-08. Review status: criteria provided, single submitter. Criteria: Invitae Variant Classification Sherloc (09022015). Collection method: clinical testing. Allele origin: germline.
Comment: In summary, the available evidence is currently insufficient to determine the role of this variant in disease. Therefore, it has been classified as a Variant of Uncertain Significance. Experimental studies and prediction algorithms are not available or were not evaluated, and the functional significance of this variant is currently unknown. This variant has not been reported in the literature in individuals affected with PLEKHG5-related conditions. This variant is not present in population databases (ExAC no frequency). This variant, c.909_911del, results in the deletion of 1 amino acid(s) of the PLEKHG5 protein (p.Asp304del), but otherwise preserves the integrity of the reading frame.

NM_020631.6(PLEKHG5):c.909_911del (p.Asp304del)

Gene: PLEKHG5 (pleckstrin homology and RhoGEF domain containing G5; minus strand). Cytogenetic location: 1p36.31.
Variant type: Deletion.
Coding change: c.909_911del on transcript NM_020631.6 (MANE Select); coding-DNA positions 909 to 911, 3 bases deleted (CGA; older notation c.909_911delCGA).
Protein change: p.Asp304del; deletes aspartic acid 304.
Molecular consequence: inframe deletion. On other transcripts: inframe indel (4).
Genome position (GRCh38, 1-based): chr1:6,473,059-6,473,061, TCG deleted on the plus strand (CGA on the coding strand, the reverse complement: PLEKHG5 is on the minus strand); deleting any 3 consecutive bases within chr1:6,473,059-6,473,062 gives the same sequence; the c. name uses the placement nearest the transcript's 3' end. VCF-style (leftmost placement, unchanged base first): chr1-6473058-ATCG-A. GRCh37 (hg19) VCF-style: chr1-6533118-ATCG-A.
Other names: c.1020_1022del, p.Asp341del (NM_001042663.3, NM_001265592.2); c.908_910delACG, p.Asp304del (NM_001042664.2, NM_001042665.2, NM_001265594.3); c.1115_1117delACG, p.Asp373del (NM_001265593.2); c.909_911del, p.Asp304del (NM_198681.4); short protein forms D304del, D373del, D341del.
Identifiers: ClinVar variation 1374400 (VCV001374400.6), dbSNP rs2148588099, ClinGen allele CA2573132141.